The following is an entry in ClinVar:

NM_016169.4(SUFU):c.1159G>T (p.Gly387Cys)

Gene: SUFU (SUFU negative regulator of hedgehog signaling; plus strand). Cytogenetic location: 10q24.32.
Variant type: single nucleotide variant.
Coding change: c.1159G>T on transcript NM_016169.4 (MANE Select); coding-DNA position 1159, G replaced by T.
Protein change: p.Gly387Cys; replaces glycine 387 with cysteine.
Molecular consequence: missense variant.
Genome position (GRCh38, 1-based): chr10:102,617,291, G>T. VCF-style: chr10-102617291-G-T. GRCh37 (hg19) VCF-style: chr10-104377048-G-T.
Other names: c.1159G>T, p.Gly387Cys (NM_001178133.2); short protein forms G387C.
Identifiers: ClinVar variation 5030451 (VCV005030451.1).

ClinVar aggregate classification (germline): Uncertain significance (1 of 4 stars; one submission).

Conditions:
Hereditary cancer-predisposing syndrome. Also called: Neoplastic Syndromes, Hereditary; Tumor predisposition; Hereditary neoplastic syndrome; Hereditary Cancer Syndrome. Identifiers: Orphanet 140162, MedGen C0027672, MeSH D009386, MONDO:0015356.

Submission:

Ambry Genetics
Classification: Uncertain significance for Hereditary cancer-predisposing syndrome. Last evaluated: 2026-08-21. Review status: criteria provided, single submitter. Criteria: Ambry Variant Classification Scheme 2023. Collection method: clinical testing. Allele origin: germline.
Comment: The p.G387C variant (also known as c.1159G>T), located in coding exon 10 of the SUFU gene, results from a G to T substitution at nucleotide position 1159. The glycine at codon 387 is replaced by cysteine, an amino acid with highly dissimilar properties. This amino acid position is conserved. In addition, this alteration is predicted to be deleterious by in silico analysis. Based on the available evidence, the clinical significance of this variant remains unclear.